The following is an entry in ClinVar:

ClinVar aggregate classification (germline): Pathogenic (1 of 4 stars; one submission).

Conditions:
Intellectual developmental disorder, autosomal dominant 45. Also called: MENTAL RETARDATION, AUTOSOMAL DOMINANT 45; Intellectual disability, autosomal dominant 45. Identifiers: MedGen C4539848, MONDO:0030910, OMIM 617600.

Submission:

Women's Health and Genetics/Laboratory Corporation of America, LabCorp
Classification: Pathogenic for Intellectual developmental disorder, autosomal dominant 45. Last evaluated: 2024-01-02. Review status: criteria provided, single submitter. Criteria: LabCorp Variant Classification Summary - May 2015. Collection method: clinical testing. Allele origin: germline.
Comment: Variant summary: The variant involves the deletion of exons 1-2 as well as part of exon 3 in the CIC gene. A presumed nomenclature of c.(?_-3118)_(314_?)del has been designated for the purposes of this classification. The exact breakpoint at the 5' end of this variant is unknown, therefore this deletion may extend upstream of the annotated region of this gene. Although the exact breakpoints of this deletion are not known, it is predicted to remove the initiation codon and result in an absence of protein or a truncation of the encoded protein due to translation initiation at a downstream site. The variant was absent in 21694 control chromosomes (gnomAD Structural Variants dataset). To our knowledge, no occurrence of c.(?_-3118)_(314_?)del in individuals affected with Mental Retardation, Autosomal Dominant 45 and no experimental evidence demonstrating its impact on protein function have been reported. No submitters have reported clinical-significance assessments for this variant to ClinVar after 2014. Based on the evidence outlined above, the variant was classified as pathogenic.

NC_000019.9:g.(?_42785739)_(42791254_?)del

Gene: CIC (capicua transcriptional repressor; plus strand). Cytogenetic location: 19q13.2.
Variant type: Deletion.
Identifiers: ClinVar variation 3063953 (VCV003063953.1).